The following is an entry in ClinVar:

NM_001013838.3(CARMIL2):c.569G>A (p.Cys190Tyr)

Gene: CARMIL2 (capping protein regulator and myosin 1 linker 2; plus strand). Cytogenetic location: 16q22.1.
Variant type: single nucleotide variant.
Coding change: c.569G>A on transcript NM_001013838.3 (MANE Select); coding-DNA position 569, G replaced by A.
Protein change: p.Cys190Tyr; replaces cysteine 190 with tyrosine.
Molecular consequence: missense variant.
Genome position (GRCh38, 1-based): chr16:67,646,931, G>A. VCF-style: chr16-67646931-G-A. GRCh37 (hg19) VCF-style: chr16-67680834-G-A.
Other names: c.569G>A, p.Cys190Tyr (NM_001317026.3); short protein forms C190Y.
Identifiers: ClinVar variation 1522791 (VCV001522791.7), dbSNP rs760523627, ClinGen allele CA8113127.

ClinVar aggregate classification (germline): Uncertain significance (1 of 4 stars; one submission).

Allele frequency attached by ClinVar (database versions not stated): gnomAD exomes below 0.00001 and 0.00003; ExAC 0.00001; gnomAD 0.00001; TOPMed 0.00002.
gnomAD v4.1: 45 of 1,613,458 alleles (0.0028%); highest among the groups gnomAD compares: Non-Finnish European, 0.0036%; no homozygotes.

Submission:

Labcorp Genetics (formerly Invitae), Labcorp
Classification: Uncertain significance. Last evaluated: 2025-07-21. Review status: criteria provided, single submitter. Criteria: Invitae Variant Classification Sherloc (09022015). Collection method: clinical testing. Allele origin: germline.
Comment: This sequence change replaces cysteine, which is neutral and slightly polar, with tyrosine, which is neutral and polar, at codon 190 of the CARMIL2 protein (p.Cys190Tyr). This variant is present in population databases (rs760523627, gnomAD 0.0009%). This variant has not been reported in the literature in individuals affected with CARMIL2-related conditions. ClinVar contains an entry for this variant (Variation ID: 1522791). Invitae Evidence Modeling of protein sequence and biophysical properties (such as structural, functional, and spatial information, amino acid conservation, physicochemical variation, residue mobility, and thermodynamic stability) has been performed for this missense variant. However, the output from this modeling did not meet the statistical confidence thresholds required to predict the impact of this variant on CARMIL2 protein function. In summary, the available evidence is currently insufficient to determine the role of this variant in disease. Therefore, it has been classified as a Variant of Uncertain Significance.